The following is an entry in ClinVar:

NM_020458.4(TTC7A):c.1392+3G>A

Gene: TTC7A (tetratricopeptide repeat domain 7A; plus strand). Cytogenetic location: 2p21.
Variant type: single nucleotide variant.
Coding change: c.1392+3G>A on transcript NM_020458.4 (MANE Select); 3 bases into the intron after coding-DNA position 1392, G replaced by A.
Molecular consequence: intron variant.
Genome position (GRCh38, 1-based): chr2:47,011,438, G>A. VCF-style: chr2-47011438-G-A. GRCh37 (hg19) VCF-style: chr2-47238577-G-A.
Other names: c.1290+3G>A (NM_001288953.2); c.1392+3G>A (NM_001288951.2); c.330+3G>A (NM_001288955.2).
Identifiers: ClinVar variation 1352045 (VCV001352045.5), dbSNP rs1299979956, ClinGen allele CA532329333.

ClinVar aggregate classification (germline): Uncertain significance (1 of 4 stars; one submission).

Conditions:
Multiple gastrointestinal atresias. Also called: FAMILIAL INTESTINAL POLYATRESIA SYNDROME; Multiple intestinal atresia. Identifiers: Orphanet 2300, MedGen C0220744, MONDO:0009465.

Allele frequency attached by ClinVar (database versions not stated): gnomAD exomes 0.00001.
gnomAD v4.1: 3 of 1,603,018 alleles (0.00019%); highest among the groups gnomAD compares: Admixed American, 0.005%; no homozygotes.

Submission:

Labcorp Genetics (formerly Invitae), Labcorp
Classification: Uncertain significance for Multiple gastrointestinal atresias. Last evaluated: 2024-01-15. Review status: criteria provided, single submitter. Criteria: Invitae Variant Classification Sherloc (09022015). Collection method: clinical testing. Allele origin: germline.
Comment: This sequence change falls in intron 11 of the TTC7A gene. It does not directly change the encoded amino acid sequence of the TTC7A protein. It affects a nucleotide within the consensus splice site. This variant is present in population databases (no rsID available, gnomAD 0.009%). This variant has not been reported in the literature in individuals affected with TTC7A-related conditions. ClinVar contains an entry for this variant (Variation ID: 1352045). Variants that disrupt the consensus splice site are a relatively common cause of aberrant splicing (PMID: 17576681, 9536098). Algorithms developed to predict the effect of sequence changes on RNA splicing suggest that this variant is not likely to affect RNA splicing. In summary, the available evidence is currently insufficient to determine the role of this variant in disease. Therefore, it has been classified as a Variant of Uncertain Significance.

Literature cited by the submitters: PubMed 17576681; PubMed 9536098.